The following is an entry in ClinVar:

NC_000007.13:g.(?_98487938)_(98488088_?)del

Gene: TRRAP (transformation/transcription domain associated protein; plus strand). Cytogenetic location: 7q22.1.
Variant type: Deletion.
Identifiers: ClinVar variation 3245875 (VCV003245875.1).

ClinVar aggregate classification (germline): Uncertain significance (1 of 4 stars; one submission).

Submission:

Labcorp Genetics (formerly Invitae), Labcorp
Classification: Uncertain significance. Last evaluated: 2023-03-14. Review status: criteria provided, single submitter. Criteria: Invitae Variant Classification Sherloc (09022015). Collection method: clinical testing. Allele origin: unknown.
Comment: Experimental studies and prediction algorithms are not available or were not evaluated, and the functional significance of this variant is currently unknown. In summary, the available evidence is currently insufficient to determine the role of this variant in disease. Therefore, it has been classified as a Variant of Uncertain Significance. This variant has not been reported in the literature in individuals affected with TRRAP-related conditions. This variant is a gross deletion of the genomic region encompassing exon(s) 4 of the TRRAP gene. This variant would be expected to be in-frame, preserving the integrity of the reading frame.